The following is an entry in ClinVar:

NM_000720.4(CACNA1D):c.1189G>T (p.Val397Phe)

Gene: CACNA1D (calcium voltage-gated channel subunit alpha1 D; plus strand). Cytogenetic location: 3p21.1.
Variant type: single nucleotide variant.
Coding change: c.1189G>T on transcript NM_000720.4 (MANE Plus Clinical); coding-DNA position 1189, G replaced by T.
Protein change: p.Val397Phe; replaces valine 397 with phenylalanine.
Molecular consequence: missense variant. On other transcripts: intron variant (2).
Genome position (GRCh38, 1-based): chr3:53,673,785, G>T. VCF-style: chr3-53673785-G-T. GRCh37 (hg19) VCF-style: chr3-53707812-G-T.
Other names: c.1220+659G>T (NM_001128840.3, NM_001128839.3); short protein forms V397F.
Identifiers: ClinVar variation 4753137 (VCV004753137.1).

ClinVar aggregate classification (germline): Uncertain significance (1 of 4 stars; one submission).

gnomAD v4.1: 2 of 1,613,734 alleles (0.00012%); highest among the groups gnomAD compares: Non-Finnish European, 0.00017%; no homozygotes.

Submission:

Labcorp Genetics (formerly Invitae), Labcorp
Classification: Uncertain significance. Last evaluated: 2026-01-28. Review status: criteria provided, single submitter. Criteria: Invitae Variant Classification Sherloc (09022015). Collection method: clinical testing. Allele origin: germline.
Comment: This sequence change replaces valine, which is neutral and non-polar, with phenylalanine, which is neutral and non-polar, at codon 397 of the CACNA1D protein (p.Val397Phe). This variant is not present in population databases (gnomAD no frequency). This variant has not been reported in the literature in individuals affected with CACNA1D-related conditions. Invitae Evidence Modeling of protein sequence and biophysical properties (such as structural, functional, and spatial information, amino acid conservation, physicochemical variation, residue mobility, and thermodynamic stability) indicates that this missense variant is expected to disrupt CACNA1D protein function with a positive predictive value of 80%. In summary, the available evidence is currently insufficient to determine the role of this variant in disease. Therefore, it has been classified as a Variant of Uncertain Significance.